The following is an entry in ClinVar:

NM_000298.6(PKLR):c.1063A>G (p.Met355Val)

Gene: PKLR (pyruvate kinase L/R; minus strand). Cytogenetic location: 1q22.
Variant type: single nucleotide variant.
Coding change: c.1063A>G on transcript NM_000298.6 (MANE Select); coding-DNA position 1063, A replaced by G.
Protein change: p.Met355Val; replaces methionine 355 with valine.
Molecular consequence: missense variant.
Genome position (GRCh38, 1-based): chr1:155,294,288, T>C on the plus strand (A>G on the coding strand, the complement: PKLR is on the minus strand). VCF-style: chr1-155294288-T-C. GRCh37 (hg19) VCF-style: chr1-155264079-T-C.
Other names: c.970A>G, p.Met324Val (NM_181871.4); short protein forms M355V, M324V.
Identifiers: ClinVar variation 4737566 (VCV004737566.1).

ClinVar aggregate classification (germline): Uncertain significance (1 of 4 stars; one submission).

gnomAD v4.1: 7 of 1,613,838 alleles (0.00043%); highest among the groups gnomAD compares: Non-Finnish European, 0.00059%; no homozygotes.

Submission:

Labcorp Genetics (formerly Invitae), Labcorp
Classification: Uncertain significance. Last evaluated: 2025-10-23. Review status: criteria provided, single submitter. Criteria: Invitae Variant Classification Sherloc (09022015). Collection method: clinical testing. Allele origin: germline.
Comment: This sequence change replaces methionine, which is neutral and non-polar, with valine, which is neutral and non-polar, at codon 355 of the PKLR protein (p.Met355Val). This variant is not present in population databases (gnomAD no frequency). This missense change has been observed in individual(s) with pyruvate kinase deficiency (PMID: 27427187, 33071155). In at least one individual the data is consistent with being in trans (on the opposite chromosome) from a pathogenic variant. Invitae Evidence Modeling of protein sequence and biophysical properties (such as structural, functional, and spatial information, amino acid conservation, physicochemical variation, residue mobility, and thermodynamic stability) indicates that this missense variant is not expected to disrupt PKLR protein function with a negative predictive value of 80%. Algorithms developed to predict the effect of sequence changes on RNA splicing suggest that this variant may disrupt the consensus splice site. In summary, the available evidence is currently insufficient to determine the role of this variant in disease. Therefore, it has been classified as a Variant of Uncertain Significance.

Literature cited by the submitters: PubMed 27427187; PubMed 33071155.